The following is an entry in ClinVar:

NM_152732.5(RSPH9):c.481A>G (p.Lys161Glu)

Gene: RSPH9 (radial spoke head component 9; plus strand). Cytogenetic location: 6p21.1.
Variant type: single nucleotide variant.
Coding change: c.481A>G on transcript NM_152732.5 (MANE Select); coding-DNA position 481, A replaced by G.
Protein change: p.Lys161Glu; replaces lysine 161 with glutamic acid.
Molecular consequence: missense variant. On other transcripts: non-coding transcript variant (2).
Genome position (GRCh38, 1-based): chr6:43,655,649, A>G. VCF-style: chr6-43655649-A-G. GRCh37 (hg19) VCF-style: chr6-43623386-A-G.
Other names: c.436A>G, p.Lys146Glu (NM_001193341.2, NM_001424120.1); c.481A>G, p.Lys161Glu (NM_001424119.1, NM_001424121.1); short protein forms K161E, K146E.
Identifiers: ClinVar variation 525374 (VCV000525374.7), dbSNP rs1351239709, ClinGen allele CA364289311.

ClinVar aggregate classification (germline): Uncertain significance (1 of 4 stars; one submission).

Conditions:
Primary ciliary dyskinesia. Also called: Ciliary dyskinesia. Identifiers: Orphanet 244, MedGen C0008780, MONDO:0016575, HP:0012265.

Allele frequency attached by ClinVar (database versions not stated): TOPMed below 0.00001; gnomAD 0.00001; gnomAD exomes 0.00001.
gnomAD v4.1: 21 of 1,614,108 alleles (0.0013%); highest among the groups gnomAD compares: Non-Finnish European, 0.0017%; no homozygotes.

Submission:

Labcorp Genetics (formerly Invitae), Labcorp
Classification: Uncertain significance for Primary ciliary dyskinesia. Last evaluated: 2022-06-13. Review status: criteria provided, single submitter. Criteria: Invitae Variant Classification Sherloc (09022015). Collection method: clinical testing. Allele origin: germline.
Comment: This sequence change replaces lysine, which is basic and polar, with glutamic acid, which is acidic and polar, at codon 161 of the RSPH9 protein (p.Lys161Glu). This variant is present in population databases (no rsID available, gnomAD 0.002%). This variant has not been reported in the literature in individuals affected with RSPH9-related conditions. ClinVar contains an entry for this variant (Variation ID: 525374). Algorithms developed to predict the effect of missense changes on protein structure and function are either unavailable or do not agree on the potential impact of this missense change (SIFT: "Deleterious"; PolyPhen-2: "Probably Damaging"; Align-GVGD: "Class C0"). In summary, the available evidence is currently insufficient to determine the role of this variant in disease. Therefore, it has been classified as a Variant of Uncertain Significance.